The following is an entry in ClinVar:

ClinVar aggregate classification (germline): Pathogenic. Review status: criteria provided, multiple submitters, no conflicts (2 of 4 stars). 9 submissions from 9 submitters: Pathogenic (8). 1 of the submissions does not count toward it. Last evaluated 2026-01-15.

Conditions:
AARS2-related disorder. Also called: AARS2-related disorders; AARS2-related condition. Identifiers: MedGen CN381518, MONDO:1060240.
Combined oxidative phosphorylation defect type 8. Also called: CARDIOMYOPATHY, HYPERTROPHIC MITOCHONDRIAL, FATAL INFANTILE. Identifiers: Orphanet 319504, MedGen C4518839, MONDO:0013570, OMIM 614096.
Pulmonary hypoplasia. Identifiers: MedGen C0265783, MONDO:0800133, HP:0002089.

Submissions (9):

Labcorp Genetics (formerly Invitae), Labcorp
Classification: Pathogenic. Last evaluated: 2026-01-15. Review status: criteria provided, single submitter. Criteria: Invitae Variant Classification Sherloc (09022015). Collection method: clinical testing. Allele origin: germline.
Comment: This sequence change creates a premature translational stop signal (p.Cys218Leufs*6) in the AARS2 gene. It is expected to result in an absent or disrupted protein product. Loss-of-function variants in AARS2 are known to be pathogenic (PMID: 24808023, 30285085, 30819764). This variant is present in population databases (rs746514660, gnomAD 0.01%). This premature translational stop signal has been observed in individual(s) with multiple respiratory chain complex defects (PMID: 25058219). This variant is also known as c.647_648insG. ClinVar contains an entry for this variant (Variation ID: 143044). For these reasons, this variant has been classified as Pathogenic.

Victorian Clinical Genetics Services, Murdoch Childrens Research Institute
Classification: Pathogenic for Combined oxidative phosphorylation defect type 8. Last evaluated: 2025-09-22. Review status: criteria provided, single submitter. Criteria: ACMG Guidelines, 2015. Collection method: clinical testing. Allele origin: germline. Affected: yes.
Comment: This variant is classified as Pathogenic. Evidence in support of pathogenic classification: Variant is predicted to cause nonsense-mediated decay (NMD) and loss of protein (premature termination codon is located at least 54 nucleotides upstream of the final exon-exon junction); Variant is present in gnomAD <0.01 for a recessive condition (v4: 148 heterozygote(s), 0 homozygote(s)); This variant has strong previous evidence of pathogenicity in unrelated individuals. This variant has been reported in individuals diagnosed with severe infantile cardiomyopathy, progressive leukoencephalopathy with ovarian failure and primary pulmonary hypoplasia (ClinVar; PMIDs: 25058219, 29971983, 30819764); Other NMD-predicted variants comparable to the one identified in this case have very strong previous evidence for pathogenicity. At least nine NMD-predicted variants along AARS2 have been reported in affected individuals (ClinVar, DECIPHER, PMID: 31106991). Additional information: This variant is heterozygous; This gene is associated with autosomal recessive disease; Loss of function is a mechanism of disease in this gene and is associated with combined oxidative phosphorylation deficiency 8 (MIM#614096) and leukoencephalopathy, progressive, with ovarian failure (MIM#615889) (PMIDs: 28633377, 30285085, 24808023).

GeneDx
Classification: Pathogenic. Last evaluated: 2024-12-10. Review status: criteria provided, single submitter. Criteria: GeneDx Variant Classification Process June 2021. Collection method: clinical testing. Allele origin: germline. Affected: yes.
Comment: Frameshift variant predicted to result in protein truncation or nonsense mediated decay in a gene for which loss-of-function is a known mechanism of disease; Not observed at significant frequency in large population cohorts (gnomAD); This variant is associated with the following publications: (PMID: 30819764, 34784527, 29971983, 34484863, 25058219)

Blueprint Genetics
Classification: Pathogenic for AARS2-related disorders. Last evaluated: 2023-05-24. Review status: criteria provided, single submitter. Criteria: ACMG Guidelines, 2015. Collection method: clinical testing. Allele origin: germline. Affected: yes. Observed: 5 variant alleles.

Institute of Human Genetics, Heidelberg University
Classification: Pathogenic for Combined oxidative phosphorylation defect type 8. Last evaluated: 2022-12-16. Review status: criteria provided, single submitter. Criteria: ACMG Variant Classification, Richards et al., 2015, Genet Med. Collection method: clinical testing. Allele origin: germline. Affected: yes.

Baylor Genetics
Classification: Pathogenic for Combined oxidative phosphorylation defect type 8. Last evaluated: 2020-08-17. Review status: criteria provided, single submitter. Criteria: ACMG Guidelines, 2015. Collection method: clinical testing. Allele origin: unknown. Affected: yes.
Comment: This variant was determined to be pathogenic according to ACMG Guidelines, 2015 [PMID:25741868].

Pediatric Genomics Discovery Program, Yale University
Classification: Pathogenic for Pulmonary hypoplasia. Last evaluated: 2019-02-05. Review status: criteria provided, single submitter. Criteria: ACMG Guidelines, 2015. Collection method: research. Allele origin: maternal. Inheritance: Autosomal recessive inheritance. Affected: yes. Observed: 2 compound heterozygotes. Clinical features observed: Polyhydramnios (HP:0001561), Non-immune hydrops fetalis (HP:0001790), Pleural effusion (HP:0002202), Pericardial effusion (HP:0001698), Pulmonary hypoplasia (HP:0002089), Mixed respiratory and metabolic acidosis (HP:0005967), thickening of the cardiac intraventricular septum.

Eurofins Ntd Llc (ga)
Classification: Pathogenic. Last evaluated: 2016-02-08. Review status: criteria provided, single submitter. Criteria: EGL Classification Definitions. Collection method: clinical testing. Allele origin: germline. Observed: 3 variant alleles, 1 heterozygote.

OMIM
Classification: Pathogenic for COMBINED OXIDATIVE PHOSPHORYLATION DEFICIENCY 8. Last evaluated: 2014-07-02. Review status: no assertion criteria provided. Collection method: literature only. Allele origin: germline. Not counted in ClinVar's aggregate classification.

Literature cited by the submitters: PubMed 24808023 (cited by Labcorp Genetics (formerly Invitae), Labcorp and Victorian Clinical Genetics Services, Murdoch Childrens Research Institute); PubMed 30285085 (cited by Labcorp Genetics (formerly Invitae), Labcorp and Victorian Clinical Genetics Services, Murdoch Childrens Research Institute); PubMed 30819764 (cited by Labcorp Genetics (formerly Invitae), Labcorp and Victorian Clinical Genetics Services, Murdoch Childrens Research Institute); PubMed 25058219 (cited by 3 submitters); PubMed 31106991 (cited by Victorian Clinical Genetics Services, Murdoch Childrens Research Institute); PubMed 28633377 (cited by Victorian Clinical Genetics Services, Murdoch Childrens Research Institute); PubMed 29971983 (cited by Victorian Clinical Genetics Services, Murdoch Childrens Research Institute).

NM_020745.4(AARS2):c.647dup (p.Cys218fs)

Gene: AARS2 (alanyl-tRNA synthetase 2, mitochondrial; minus strand). Cytogenetic location: 6p21.1.
Variant type: Duplication.
Coding change: c.647dup on transcript NM_020745.4 (MANE Select); coding-DNA position 647, one base duplicated (G; older notation c.647dupG).
Protein change: p.Cys218fs; shifts the reading frame from cysteine 218.
Molecular consequence: frameshift variant.
Genome position (GRCh38, 1-based): chr6:44,311,096, C duplicated on the plus strand (G on the coding strand, the reverse complement: AARS2 is on the minus strand); the first of 2 consecutive C bases (chr6:44,311,096-44,311,097); duplicating either gives the same sequence. VCF-style (leftmost placement, unchanged base first): chr6-44311095-G-GC. GRCh37 (hg19) VCF-style: chr6-44278832-G-GC.
Other names: c.647dupG (NM_020745.3); c.647dup (NM_020745.2); short protein forms C218fs.
Identifiers: ClinVar variation 143044 (VCV000143044.27), dbSNP rs587777589, ClinGen allele CA170061.